The following is an entry in ClinVar:

ClinVar aggregate classification (germline): Uncertain significance (1 of 4 stars; one submission).

Conditions:
Early-infantile DEE. Also called: Early infantile epileptic encephalopathy; Ohtahara syndrome; Early infantile epileptic encephalopathy with suppression bursts. Identifiers: Orphanet 1934, MedGen C0393706, MONDO:0800491.

Submission:

Labcorp Genetics (formerly Invitae), Labcorp
Classification: Uncertain significance for Early-infantile DEE. Last evaluated: 2025-01-30. Review status: criteria provided, single submitter. Criteria: Invitae Variant Classification Sherloc (09022015). Collection method: clinical testing. Allele origin: germline.
Comment: This sequence change falls in intron 20 of the SCN1A gene. It does not directly change the encoded amino acid sequence of the SCN1A protein. However, this sequence change falls within a region encompassing a cryptic exon in the SCN1A gene, in which variants have been shown to alter splicing (PMID: 30526861, 34107977). This variant is not present in population databases (gnomAD no frequency). This variant has not been reported in the literature in individuals affected with SCN1A-related conditions. Algorithms developed to predict the effect of sequence changes on RNA splicing suggest that this variant is not likely to affect RNA splicing. In summary, the available evidence is currently insufficient to determine the role of this variant in disease. Therefore, it has been classified as a Variant of Uncertain Significance.

Literature cited by the submitters: PubMed 30526861; PubMed 34107977.

NM_001165963.4(SCN1A):c.4002+2186G>C

Genes: SCN1A (sodium voltage-gated channel alpha subunit 1; minus strand), LOC102724058 (uncharacterized LOC102724058; plus strand). Cytogenetic location: 2q24.3.
Variant type: single nucleotide variant.
Coding change: c.4002+2186G>C on transcript NM_001165963.4 (MANE Select); 2186 bases into the intron after coding-DNA position 4002, G replaced by C.
Molecular consequence: intron variant.
Genome position (GRCh38, 1-based): chr2:166,007,533, C>G on the plus strand (G>C on the coding strand, the complement: SCN1A is on the minus strand). VCF-style: chr2-166007533-C-G. GRCh37 (hg19) VCF-style: chr2-166864043-C-G.
Other names: c.3969+2186G>C (NM_001353949.2, NM_001353950.2, NM_001353951.2 and 2 more transcripts); c.3918+2186G>C (NM_001353958.2, NM_001353957.2, NM_001165964.3); c.4002+2186G>C (NM_001202435.3, NM_001353948.2); c.3966+2186G>C (NM_001353955.2, NM_001353954.2); c.3915+2186G>C (NM_001353960.2); c.1560+2186G>C (NM_001353961.2).
Identifiers: ClinVar variation 3639350 (VCV003639350.2).